The following is an entry in ClinVar:

NM_001368397.1(FRMPD4):c.814-40dup

Gene: FRMPD4 (FERM and PDZ domain containing 4; plus strand). Cytogenetic location: Xp22.2.
Variant type: Duplication.
Coding change: c.814-40dup on transcript NM_001368397.1 (MANE Select); 40 bases into the intron before coding-DNA position 814, one base duplicated (A; older notation c.814-40dupA).
Molecular consequence: intron variant.
Genome position (GRCh38, 1-based): chrX:12,694,295, A duplicated. VCF-style (leftmost placement, unchanged base first): chrX-12694294-C-CA. GRCh37 (hg19) VCF-style: chrX-12712413-C-CA.
Other names: c.925-40dup (NM_001368398.3, NM_001368395.3); c.790-40dup (NM_001368402.3, NM_001368401.1); c.694-40dup (NM_001368400.3); c.805-40dup (NM_001368399.3); c.814-40dup (NM_014728.3); c.820-40dup (NM_001368396.3).
Identifiers: ClinVar variation 4292180 (VCV004292180.1).

ClinVar aggregate classification (germline): Uncertain significance (1 of 4 stars; one submission).

Conditions:
Intellectual developmental disorder, X-linked 104. Also called: Intellectual disability, X-linked 104. Identifiers: MedGen C4310817, MONDO:0010509, OMIM 300983.

Submission:

3billion
Classification: Uncertain significance for Intellectual developmental disorder, X-linked 104. Last evaluated: 2024-09-13. Review status: criteria provided, single submitter. Criteria: ACMG Guidelines, 2015. Collection method: clinical testing. Allele origin: germline. Affected: yes.
Comment: The variant is not observed in the gnomAD v4.0.0 dataset. Predicted Consequence/Location: Intron variant In silico tools predict the variant to alter splicing and produce an abnormal transcript [SpliceAI: 0.30 (>=0.2, moderate evidence for spliceogenicity)]. Therefore, this variant is classified as VUS according to the recommendation of ACMG/AMP guideline.